The following is an entry in ClinVar:

ClinVar aggregate classification (germline): Uncertain significance. Review status: criteria provided, multiple submitters, no conflicts (2 of 4 stars). 4 submissions from 4 submitters: Uncertain significance (3). 1 of the submissions does not count toward it. Last evaluated 2024-11-18.

Conditions:
Neuronal ceroid lipofuscinosis 2. Also called: TPP1-Related Neuronal Ceroid-Lipofuscinosis; JANSKY-BIELSCHOWSKY DISEASE NEURONAL CEROID LIPOFUSCINOSIS, LATE INFANTILE. Identifiers: Orphanet 168491, Orphanet 228349, Orphanet 79264, MedGen C1876161, MONDO:0008769, OMIM 204500.

Allele frequency attached by ClinVar (database versions not stated): gnomAD exomes below 0.00001 and 0.00001; ExAC 0.00002; gnomAD 0.00004 and 0.00005; TOPMed 0.00005; ESP Exome Variant Server 0.00008; 1000 Genomes Project 0.00020; 1000 Genomes Project 30x 0.00031.
gnomAD v4.1: 12 of 1,614,108 alleles (0.00074%); highest among the groups gnomAD compares: African/African-American, 0.0053%; no homozygotes.

Submissions (4):

Labcorp Genetics (formerly Invitae), Labcorp
Classification: Uncertain significance. Last evaluated: 2024-11-18. Review status: criteria provided, single submitter. Criteria: Invitae Variant Classification Sherloc (09022015). Collection method: clinical testing. Allele origin: germline.
Comment: This sequence change replaces arginine, which is basic and polar, with cysteine, which is neutral and slightly polar, at codon 497 of the TPP1 protein (p.Arg497Cys). This variant is present in population databases (rs377700188, gnomAD 0.004%). This variant has not been reported in the literature in individuals affected with TPP1-related conditions. ClinVar contains an entry for this variant (Variation ID: 457941). Invitae Evidence Modeling of protein sequence and biophysical properties (such as structural, functional, and spatial information, amino acid conservation, physicochemical variation, residue mobility, and thermodynamic stability) indicates that this missense variant is expected to disrupt TPP1 protein function with a positive predictive value of 95%. In summary, the available evidence is currently insufficient to determine the role of this variant in disease. Therefore, it has been classified as a Variant of Uncertain Significance.

Blueprint Genetics
Classification: Uncertain significance. Last evaluated: 2023-06-26. Review status: criteria provided, single submitter. Criteria: ACMG Guidelines, 2015. Collection method: clinical testing. Allele origin: germline.

GeneDx
Classification: Uncertain significance. Last evaluated: 2019-01-29. Review status: criteria provided, single submitter. Criteria: GeneDx Variant Classification Process June 2021. Collection method: clinical testing. Allele origin: germline. Affected: yes.
Comment: Not observed at a significant frequency in large population cohorts (Lek et al., 2016); In silico analysis, which includes protein predictors and evolutionary conservation, supports a deleterious effect; Has not been previously published as pathogenic or benign to our knowledge

Natera, Inc.
Classification: Uncertain significance for Neuronal ceroid lipofuscinosis 2. Last evaluated: 2021-02-22. Review status: no assertion criteria provided. Collection method: clinical testing. Allele origin: germline. Not counted in ClinVar's aggregate classification.

NM_000391.4(TPP1):c.1489C>T (p.Arg497Cys)

Gene: TPP1 (tripeptidyl peptidase 1; minus strand). Cytogenetic location: 11p15.4.
Variant type: single nucleotide variant.
Coding change: c.1489C>T on transcript NM_000391.4 (MANE Select); coding-DNA position 1489, C replaced by T.
Protein change: p.Arg497Cys; replaces arginine 497 with cysteine.
Molecular consequence: missense variant.
Genome position (GRCh38, 1-based): chr11:6,614,928, G>A on the plus strand (C>T on the coding strand, the complement: TPP1 is on the minus strand). VCF-style: chr11-6614928-G-A. GRCh37 (hg19) VCF-style: chr11-6636159-G-A.
Other names: short protein forms R497C.
Identifiers: ClinVar variation 457941 (VCV000457941.11), dbSNP rs377700188, ClinGen allele CA5858636.
Genomic context (GRCh38, chr11:6,614,928, plus strand): 5'-CAAAGAGTCCTGCCCCATGCTGCTGGTAGAGCCTTGGGTTGAGAAAGCCAAGAGGGGGGC[G>A]GCCACTAAGGATCCTGTGCTCATTGATCAAGGATAGGATCCCCCCAAACACTGGAGTAGA-3'
Protein context (NP_000382.3, residues 487-507): LINEHRILSG[Arg497Cys]PPLGFLNPRL